The following is an entry in ClinVar:

NM_000553.6(WRN):c.4284_4292del (p.Gly1429_Phe1431del)

Genes: WRN (WRN RecQ like helicase; plus strand), LOC126860342 (MED14-independent group 3 enhancer GRCh37_chr8:31029565-31030764; plus strand). Cytogenetic location: 8p12.
Variant type: Deletion.
Coding change: c.4284_4292del on transcript NM_000553.6 (MANE Select); coding-DNA positions 4284 to 4292, 9 bases deleted (AGGTCTTTT; older notation c.4284_4292delAGGTCTTTT).
Protein change: p.Gly1429_Phe1431del.
Molecular consequence: inframe deletion.
Genome position (GRCh38, 1-based): chr8:31,173,087-31,173,095, AGGTCTTTT deleted. VCF-style (leftmost placement, unchanged base first): chr8-31173086-GAGGTCTTTT-G. GRCh37 (hg19) VCF-style: chr8-31030602-GAGGTCTTTT-G.
Identifiers: ClinVar variation 2084301 (VCV002084301.4), dbSNP rs2536089418, ClinGen allele CA2579138125.

ClinVar aggregate classification (germline): Uncertain significance (1 of 4 stars; one submission).

Conditions:
Werner syndrome (WRN). Identifiers: Orphanet 902, MedGen C0043119, MONDO:0010196, OMIM 277700.

Allele frequency attached by ClinVar (database versions not stated): gnomAD exomes below 0.00001.

Submission:

Labcorp Genetics (formerly Invitae), Labcorp
Classification: Uncertain significance for Werner syndrome. Last evaluated: 2022-01-15. Review status: criteria provided, single submitter. Criteria: Invitae Variant Classification Sherloc (09022015). Collection method: clinical testing. Allele origin: germline.
Comment: In summary, the available evidence is currently insufficient to determine the role of this variant in disease. Therefore, it has been classified as a Variant of Uncertain Significance. This variant, c.4284_4292del, results in the deletion of 3 amino acid(s) of the WRN protein (p.Gly1429_Phe1431del), but otherwise preserves the integrity of the reading frame. This variant is not present in population databases (gnomAD no frequency). This variant has not been reported in the literature in individuals affected with WRN-related conditions. Algorithms developed to predict the effect of sequence changes on RNA splicing suggest that this variant may create or strengthen a splice site.